The following is an entry in ClinVar:

ClinVar aggregate classification (germline): Uncertain significance. Review status: criteria provided, multiple submitters, no conflicts (2 of 4 stars). 3 submissions from 3 submitters: Uncertain significance (3). Last evaluated 2025-04-30.

Conditions:
Malignant hyperthermia, susceptibility to, 1 (MHS1). Also called: Anesthesia related hyperthermia; Malignant hyperpyrexia; Fulminating hyperpyrexia; Pharmacogenic myopathy; RYR1-Related Malignant Hyperthermia Susceptibility; Malignant hyperthermia suceptibility 1. Identifiers: Orphanet 423, MedGen C2930980, MONDO:0007783, OMIM 145600.

Allele frequency attached by ClinVar (database versions not stated): gnomAD exomes below 0.00001.
gnomAD v4.1: 1 of 1,613,988 alleles (0.000062%); highest among the groups gnomAD compares: Non-Finnish European, 0.000085%; no homozygotes.

Submissions (3):

GeneDx
Classification: Uncertain significance. Last evaluated: 2025-04-30. Review status: criteria provided, single submitter. Criteria: GeneDx Variant Classification Process June 2021. Collection method: clinical testing. Allele origin: germline. Affected: yes.
Comment: Not observed at significant frequency in large population cohorts (gnomAD); In silico analysis supports that this missense variant has a deleterious effect on protein structure/function; Has not been previously published as pathogenic or benign to our knowledge

Blueprint Genetics
Classification: Uncertain significance. Last evaluated: 2021-12-13. Review status: criteria provided, single submitter. Criteria: ACMG Guidelines, 2015. Collection method: clinical testing. Allele origin: germline.

Biesecker Lab/Clinical Genomics Section, National Institutes of Health
Classification: Uncertain significance for Malignant hyperthermia, susceptibility to, 1. Last evaluated: 2013-07-01. Review status: criteria provided, single submitter. Criteria: Gonsalves et al. 2013. Collection method: research. Allele origin: unknown. Observed: 1 variant allele. Study: ClinSeq.
Comment: The study set was not selected for affection status in relation to any myopathy. Pathogenicity categories were based on literature curation. See Pubmed ID: 24195946 for details.

NM_000540.3(RYR1):c.7958A>G (p.Lys2653Arg)

Gene: RYR1 (ryanodine receptor 1; plus strand). Cytogenetic location: 19q13.2.
Variant type: single nucleotide variant.
Coding change: c.7958A>G on transcript NM_000540.3 (MANE Select); coding-DNA position 7958, A replaced by G.
Protein change: p.Lys2653Arg; replaces lysine 2653 with arginine.
Molecular consequence: missense variant.
Genome position (GRCh38, 1-based): chr19:38,504,251, A>G. VCF-style: chr19-38504251-A-G. GRCh37 (hg19) VCF-style: chr19-38994891-A-G.
Other names: c.7958A>G, p.Lys2653Arg (NM_001042723.2); short protein forms K2653R.
Identifiers: ClinVar variation 224391 (VCV000224391.3), dbSNP rs199864636, ClinGen allele CA212100.